The following is an entry in ClinVar:

ClinVar aggregate classification (germline): Uncertain significance. Review status: criteria provided, multiple submitters, no conflicts (2 of 4 stars). 3 submissions from 3 submitters: Uncertain significance (3). Last evaluated 2025-01-13.

Conditions:
Inborn genetic diseases. Identifiers: MedGen C0950123, MeSH D030342.
Microcephaly and chorioretinopathy 1. Also called: Microcephaly and chorioretinopathy, autosomal recessive, 1. Identifiers: MedGen C3278481, MONDO:0009624, OMIM 251270.

Allele frequency attached by ClinVar (database versions not stated): TOPMed 0.00005; 1000 Genomes Project 30x 0.00031; ExAC 0.00003; gnomAD exomes 0.00005 and 0.00010; 1000 Genomes Project 0.00020; gnomAD 0.00005.
gnomAD v4.1: 154 of 1,569,174 alleles (0.0098%); highest among the groups gnomAD compares: Non-Finnish European, 0.012%; no homozygotes.

Submissions (3):

Revvity Omics, Revvity
Classification: Uncertain significance for Microcephaly and chorioretinopathy 1. Last evaluated: 2025-01-13. Review status: criteria provided, single submitter. Criteria: ACMG Guidelines, 2015. Collection method: clinical testing. Allele origin: germline.

Ambry Genetics
Classification: Uncertain significance for Inborn genetic diseases. Last evaluated: 2024-12-04. Review status: criteria provided, single submitter. Criteria: Ambry Variant Classification Scheme 2023. Collection method: clinical testing. Allele origin: germline.

Labcorp Genetics (formerly Invitae), Labcorp
Classification: Uncertain significance. Last evaluated: 2024-01-19. Review status: criteria provided, single submitter. Criteria: Invitae Variant Classification Sherloc (09022015). Collection method: clinical testing. Allele origin: germline.
Comment: This sequence change replaces leucine, which is neutral and non-polar, with valine, which is neutral and non-polar, at codon 1451 of the TUBGCP6 protein (p.Leu1451Val). This variant is present in population databases (rs577375585, gnomAD 0.01%). This variant has not been reported in the literature in individuals affected with TUBGCP6-related conditions. ClinVar contains an entry for this variant (Variation ID: 1061324). An algorithm developed to predict the effect of missense changes on protein structure and function (PolyPhen-2) suggests that this variant¬†is likely to be tolerated. In summary, the available evidence is currently insufficient to determine the role of this variant in disease. Therefore, it has been classified as a Variant of Uncertain Significance.

NM_020461.4(TUBGCP6):c.4351C>G (p.Leu1451Val)

Gene: TUBGCP6 (tubulin gamma complex component 6; minus strand). Cytogenetic location: 22q13.33.
Variant type: single nucleotide variant.
Coding change: c.4351C>G on transcript NM_020461.4 (MANE Select); coding-DNA position 4351, C replaced by G.
Protein change: p.Leu1451Val; replaces leucine 1451 with valine.
Molecular consequence: missense variant.
Genome position (GRCh38, 1-based): chr22:50,219,421, G>C on the plus strand (C>G on the coding strand, the complement: TUBGCP6 is on the minus strand). VCF-style: chr22-50219421-G-C. GRCh37 (hg19) VCF-style: chr22-50657850-G-C.
Other names: c.4351C>G (NM_020461.3); short protein forms L1451V.
Identifiers: ClinVar variation 1061324 (VCV001061324.8), dbSNP rs577375585, ClinGen allele CA10307536.